The following is an entry in ClinVar:

ClinVar aggregate classification (germline): Uncertain significance (0 of 4 stars; one submission).

Conditions:
PLXNA1-related disorder. Also called: PLXNA1-related condition.

Submission:

PreventionGenetics, part of Exact Sciences
Classification: Uncertain significance for PLXNA1-related condition. Last evaluated: 2024-06-04. Review status: no assertion criteria provided. Collection method: clinical testing. Allele origin: germline.
Comment: The PLXNA1 c.3758G>C variant is predicted to result in the amino acid substitution p.Gly1253Ala. To our knowledge, this variant has not been reported in the literature or in a large population database, indicating this variant is rare. At this time, the clinical significance of this variant is uncertain due to the absence of conclusive functional and genetic evidence.

NM_032242.4(PLXNA1):c.3758G>C (p.Gly1253Ala)

Gene: PLXNA1 (plexin A1; plus strand). Cytogenetic location: 3q21.3.
Variant type: single nucleotide variant.
Coding change: c.3758G>C on transcript NM_032242.4 (MANE Select); coding-DNA position 3758, G replaced by C.
Protein change: p.Gly1253Ala; replaces glycine 1253 with alanine.
Molecular consequence: missense variant.
Genome position (GRCh38, 1-based): chr3:127,018,391, G>C. VCF-style: chr3-127018391-G-C. GRCh37 (hg19) VCF-style: chr3-126737234-G-C.
Other names: short protein forms G1253A.
Identifiers: ClinVar variation 3353838 (VCV003353838.1).